The following is an entry in ClinVar:

ClinVar aggregate classification (germline): Likely pathogenic (1 of 4 stars; one submission).

Conditions:
Primary ciliary dyskinesia 3. Identifiers: Orphanet 244, MedGen C1837618, MONDO:0012085, OMIM 608644.

Submission:

Myriad Genetics, Inc.
Classification: Likely pathogenic for Primary ciliary dyskinesia 3. Last evaluated: 2022-02-17. Review status: criteria provided, single submitter. Criteria: Myriad Women's Health Autosomal Recessive and X-Linked Classification Criteria (2021). Collection method: clinical testing. Allele origin: unknown.
Comment: NM_001369.2(DNAH5):c.9736_9737insG(T3246Sfs*8) is expected to be pathogenic in the context of DNAH5-related primary ciliary dyskinesia. This variant is predicted to lead to an abnormal or absent protein product due to the creation of a premature termination codon in DNAH5, a gene where loss-of-function variants are known to be pathogenic. Please note: this variant was assessed in the context of healthy population screening.

NM_001369.3(DNAH5):c.9736_9737insG (p.Thr3246fs)

Gene: DNAH5 (dynein axonemal heavy chain 5; minus strand). Cytogenetic location: 5p15.2.
Variant type: Insertion.
Coding change: c.9736_9737insG on transcript NM_001369.3 (MANE Select); coding-DNA positions 9736 to 9737, G inserted.
Protein change: p.Thr3246fs; shifts the reading frame from threonine 3246.
Molecular consequence: frameshift variant.
Genome position: GRCh38 VCF-style: chr5-13769120-G-GC. GRCh37 (hg19) VCF-style: chr5-13769229-G-GC.
Other names: short protein forms T3246fs.
Identifiers: ClinVar variation 1724437 (VCV001724437.2), dbSNP rs2546656655, ClinGen allele CA2580072200.